The following is an entry in ClinVar:

NM_002161.6(IARS1):c.3388G>C (p.Ala1130Pro)

Gene: IARS1 (isoleucyl-tRNA synthetase 1; minus strand). Cytogenetic location: 9q22.31.
Variant type: single nucleotide variant.
Coding change: c.3388G>C on transcript NM_002161.6 (MANE Select); coding-DNA position 3388, G replaced by C.
Protein change: p.Ala1130Pro; replaces alanine 1130 with proline.
Molecular consequence: missense variant. On other transcripts: non-coding transcript variant (1), intron variant (1).
Genome position (GRCh38, 1-based): chr9:92,229,022, C>G on the plus strand (G>C on the coding strand, the complement: IARS1 is on the minus strand). VCF-style: chr9-92229022-C-G. GRCh37 (hg19) VCF-style: chr9-94991304-C-G.
Other names: c.3388G>C, p.Ala1130Pro (NM_001378585.1, NM_001378586.1, NM_013417.4 and 8 more transcripts); c.3367+21G>C (NM_001378577.1); c.3313G>C, p.Ala1105Pro (NM_001374299.1, NM_001374300.1, NM_001378584.1); c.3304G>C, p.Ala1102Pro (NM_001374301.1); c.3451G>C, p.Ala1151Pro (NM_001378569.1); c.3409G>C, p.Ala1137Pro (NM_001378571.1); c.3292G>C, p.Ala1098Pro (NM_001378582.1); c.3265G>C, p.Ala1089Pro (NM_001378583.1); short protein forms A1105P, A1151P, A1102P, A1137P, A1089P, A1098P, A1130P.
Identifiers: ClinVar variation 4088197 (VCV004088197.1).

ClinVar aggregate classification (germline): Uncertain significance (1 of 4 stars; one submission).

gnomAD v4.1: 22 of 1,613,986 alleles (0.0014%); highest among the groups gnomAD compares: Non-Finnish European, 0.0019%; 1 homozygote.

Submission:

GeneDx
Classification: Uncertain significance. Last evaluated: 2025-03-24. Review status: criteria provided, single submitter. Criteria: GeneDx Variant Classification Process June 2021. Collection method: clinical testing. Allele origin: germline. Affected: yes.
Comment: In silico analysis indicates that this missense variant does not alter protein structure/function; Has not been previously published as pathogenic or benign to our knowledge